The following is an entry in ClinVar:

NM_020975.6(RET):c.1003C>G (p.Pro335Ala)

Gene: RET (ret proto-oncogene; plus strand). Cytogenetic location: 10q11.21.
Variant type: single nucleotide variant.
Coding change: c.1003C>G on transcript NM_020975.6 (MANE Select); coding-DNA position 1003, C replaced by G.
Protein change: p.Pro335Ala; replaces proline 335 with alanine.
Molecular consequence: missense variant.
Genome position (GRCh38, 1-based): chr10:43,106,511, C>G. VCF-style: chr10-43106511-C-G. GRCh37 (hg19) VCF-style: chr10-43601959-C-G.
Other names: c.1003C>G, p.Pro335Ala (NM_000323.2, NM_001406743.1, NM_001406744.1 and 6 more transcripts); c.241C>G, p.Pro81Ala (NM_001355216.2); c.874C>G, p.Pro292Ala (NM_001406761.1, NM_001406762.1, NM_001406764.1 and 1 more transcripts); c.715C>G, p.Pro239Ala (NM_001406766.1, NM_001406767.1, NM_001406770.1); short protein forms P292A, P239A, P335A, P81A.
Identifiers: ClinVar variation 2050083 (VCV002050083.5), dbSNP rs1837782662, ClinGen allele CA376546337.
Genomic context (GRCh38, chr10:43,106,511, plus strand): 5'-ACAAGCACGCTGCTCCCCGGGGACACCTGGGCCCAGCAGACCTTCCGGGTGGAACACTGG[C>G]CCAACGAGACCTCGGTCCAGGCCAACGGCAGCTTCGTGCGGGCGACCGTACATGACTATA-3'
Protein context (NP_066124.1, residues 325-345): AQQTFRVEHW[Pro335Ala]NETSVQANGS

ClinVar aggregate classification (germline): Uncertain significance. Review status: criteria provided, multiple submitters, no conflicts (2 of 4 stars). 2 submissions from 2 submitters: Uncertain significance (2). Last evaluated 2025-07-23.

Conditions:
Hereditary cancer-predisposing syndrome. Also called: Hereditary neoplastic syndrome; Neoplastic Syndromes, Hereditary; Tumor predisposition; Hereditary Cancer Syndrome. Identifiers: Orphanet 140162, MedGen C0027672, MeSH D009386, MONDO:0015356.
Multiple endocrine neoplasia, type 2 (MEN2). Identifiers: Orphanet 653, MedGen C4048306, MONDO:0019003. Disease mechanism: gain of function.

Submissions (2):

Ambry Genetics
Classification: Uncertain significance for Hereditary cancer-predisposing syndrome. Last evaluated: 2025-07-23. Review status: criteria provided, single submitter. Criteria: Ambry Variant Classification Scheme 2023. Collection method: clinical testing. Allele origin: germline.
Comment: The p.P335A variant (also known as c.1003C>G), located in coding exon 5 of the RET gene, results from a C to G substitution at nucleotide position 1003. The proline at codon 335 is replaced by alanine, an amino acid with highly similar properties. This amino acid position is well conserved in available vertebrate species. In addition, the in silico prediction for this alteration is inconclusive. Based on the available evidence, the clinical significance of this variant remains unclear.

Labcorp Genetics (formerly Invitae), Labcorp
Classification: Uncertain significance for Multiple endocrine neoplasia, type 2. Last evaluated: 2021-12-20. Review status: criteria provided, single submitter. Criteria: Invitae Variant Classification Sherloc (09022015). Collection method: clinical testing. Allele origin: germline.
Comment: This variant has not been reported in the literature in individuals affected with RET-related conditions. This variant is not present in population databases (gnomAD no frequency). This sequence change replaces proline, which is neutral and non-polar, with alanine, which is neutral and non-polar, at codon 335 of the RET protein (p.Pro335Ala). Algorithms developed to predict the effect of missense changes on protein structure and function (SIFT, PolyPhen-2, Align-GVGD) all suggest that this variant is likely to be tolerated. In summary, the available evidence is currently insufficient to determine the role of this variant in disease. Therefore, it has been classified as a Variant of Uncertain Significance.